The following is an entry in ClinVar:

NM_000218.3(KCNQ1):c.946G>A (p.Gly316Arg)

Gene: KCNQ1 (potassium voltage-gated channel subfamily Q member 1; plus strand). Cytogenetic location: 11p15.5.
Variant type: single nucleotide variant.
Coding change: c.946G>A on transcript NM_000218.3 (MANE Select); coding-DNA position 946, G replaced by A.
Protein change: p.Gly316Arg; replaces glycine 316 with arginine.
Molecular consequence: missense variant.
Genome position (GRCh38, 1-based): chr11:2,583,459, G>A. VCF-style: chr11-2583459-G-A. GRCh37 (hg19) VCF-style: chr11-2604689-G-A.
Other names: p.G316R:GGG>AGG; c.946G>A (LRG_287t1); c.946G>A, p.Gly316Arg (NM_001406836.1); c.676G>A, p.Gly226Arg (NM_001406837.1); c.502G>A, p.Gly168Arg (NM_001406838.1); c.565G>A, p.Gly189Arg (NM_181798.2); short protein forms G316R, G189R, G168R, G226R.
Identifiers: ClinVar variation 53142 (VCV000053142.11), dbSNP rs104894255, ClinGen allele CA008823.

ClinVar aggregate classification (germline): Pathogenic/Likely pathogenic. Review status: criteria provided, multiple submitters, no conflicts (2 of 4 stars). 4 submissions from 4 submitters: Pathogenic (2); Likely pathogenic (1). 1 of the submissions does not count toward it. Last evaluated 2023-08-31.

Conditions:
Familial long QT syndrome (RWS). Also called: Congenital long QT syndrome; Romano-Ward syndrome; VENTRICULAR FIBRILLATION WITH PROLONGED QT INTERVAL. Identifiers: Orphanet 768, MedGen C1141890, MONDO:0019171.
Long QT syndrome (LQTS). Identifiers: MedGen C0023976, MeSH D008133, MONDO:0002442. Disease mechanism: loss of function. Inheritance: Various modes of inheritance.
Long QT syndrome 1 (LQT1). Identifiers: Orphanet 101016, Orphanet 768, MedGen C4551647, MONDO:0100316, OMIM 192500, MONDO:0008646.

Submissions (4):

KardioGenetik, Herz- und Diabeteszentrum NRW
Classification: Pathogenic for Long QT syndrome 1. Last evaluated: 2023-08-31. Review status: criteria provided, single submitter. Criteria: ACMG Guidelines, 2015. Collection method: clinical testing. Allele origin: unknown. Observed: 1 variant allele.

Labcorp Genetics (formerly Invitae), Labcorp
Classification: Likely pathogenic for Long QT syndrome. Last evaluated: 2022-11-29. Review status: criteria provided, single submitter. Criteria: Invitae Variant Classification Sherloc (09022015). Collection method: clinical testing. Allele origin: germline.
Comment: This missense change has been observed in individual(s) with clinical features of long QT syndrome (PMID: 15840476; Invitae). This sequence change replaces glycine, which is neutral and non-polar, with arginine, which is basic and polar, at codon 316 of the KCNQ1 protein (p.Gly316Arg). This variant is not present in population databases (gnomAD no frequency). Advanced modeling of protein sequence and biophysical properties (such as structural, functional, and spatial information, amino acid conservation, physicochemical variation, residue mobility, and thermodynamic stability) performed at Invitae indicates that this missense variant is expected to disrupt KCNQ1 protein function. ClinVar contains an entry for this variant (Variation ID: 53142). This variant disrupts the p.Gly316 amino acid residue in KCNQ1. Other variant(s) that disrupt this residue have been determined to be pathogenic (PMID: 19808498, 20981542). This suggests that this residue is clinically significant, and that variants that disrupt this residue are likely to be disease-causing. In summary, the currently available evidence indicates that the variant is pathogenic, but additional data are needed to prove that conclusively. Therefore, this variant has been classified as Likely Pathogenic.

GeneDx
Classification: Pathogenic. Last evaluated: 2014-07-21. Review status: criteria provided, single submitter. Criteria: GeneDx Variant Classification (06012015). Collection method: clinical testing. Allele origin: germline. Affected: yes.
Comment: p.Gly316Arg (GGG>AGG): c.946 G>A in exon 7 of the KCNQ1 gene (NM_000218.2). The G316R mutation in the KCNQ1 gene has been reported in association with LQTS (Jongbloed et al., 2002; Tester et al., 2005). Jongbloed et al., 2002, studied 32 patients of Dutch and Belgian ancestry and identified the novel G316R mutation in one patient. This mutation segregated with the disease in the family and was not present in 100 control chromosomes (Jongbloed et al., 2002). Additionally, Tester et al., 2005, studied 88 individuals with LQTS and KCNQ1 mutations, and identified one individual with G316R. G316R results in a non-conservative amino acid substitution of Glycine at a position that is conserved across species. Mutations in the same residue (G316E, G316V) and in nearby residues (G314C, G314R, Y315N, Y315F, D317N) have been reported in association with LQTS, further supporting the functional importance of this region of the protein. Furthermore, the G316R mutation was not observed inapproximately 6,500 individuals of European and African American ancestry in the NHLBI Exome Sequencing Project, indicating it is not a common benign variant in these populations. In summary, G316R in the KCNQ1 gene is interpreted as a disease-causing mutation. The variant is found in LQT panel(s).

Cardiovascular Biomedical Research Unit, Royal Brompton & Harefield NHS Foundation Trust
No classification provided. Condition: Familial long QT syndrome. Review status: no classification provided. Collection method: literature only. Allele origin: germline. Not counted in ClinVar's aggregate classification.
Comment: This variant has been reported as associated with Long QT syndrome in the following publications (PMID:15840476). This is a literature report, and does not necessarily reflect the clinical interpretation of the Imperial College / Royal Brompton Cardiovascular Genetics laboratory.

Literature cited by the submitters: PubMed 15840476 (cited by Labcorp Genetics (formerly Invitae), Labcorp and Cardiovascular Biomedical Research Unit, Royal Brompton & Harefield NHS Foundation Trust); PubMed 19808498 (cited by Labcorp Genetics (formerly Invitae), Labcorp); PubMed 20981542 (cited by Labcorp Genetics (formerly Invitae), Labcorp); PubMed 22581653 (cited by Cardiovascular Biomedical Research Unit, Royal Brompton & Harefield NHS Foundation Trust).